The following is an entry in ClinVar:

ClinVar aggregate classification (germline): Uncertain significance (1 of 4 stars; one submission).

Conditions:
RYR1-related disorder. Also called: RYR1-related disorders; RYR1-related condition. Identifiers: MedGen CN239331.

Submission:

PreventionGenetics, part of Exact Sciences
Classification: Uncertain significance for RYR1-related condition. Last evaluated: 2026-08-13. Review status: criteria provided, single submitter. Criteria: ACMG Guidelines, 2015. Collection method: clinical testing. Allele origin: germline.
Comment: The RYR1 c.13024C>A variant is predicted to result in the amino acid substitution p.Arg4342Ser. To our knowledge, this variant has not been reported in the literature or in a large population database (gnomAD), indicating this variant is rare. At this time, the clinical significance of this variant is uncertain due to the absence of conclusive functional and genetic evidence.

NM_000540.3(RYR1):c.13024C>A (p.Arg4342Ser)

Gene: RYR1 (ryanodine receptor 1; plus strand). Cytogenetic location: 19q13.2.
Variant type: single nucleotide variant.
Coding change: c.13024C>A on transcript NM_000540.3 (MANE Select); coding-DNA position 13024, C replaced by A.
Protein change: p.Arg4342Ser; replaces arginine 4342 with serine.
Molecular consequence: missense variant.
Genome position (GRCh38, 1-based): chr19:38,565,358, C>A. VCF-style: chr19-38565358-C-A. GRCh37 (hg19) VCF-style: chr19-39055998-C-A.
Other names: c.13009C>A, p.Arg4337Ser (NM_001042723.2); short protein forms R4337S, R4342S.
Identifiers: ClinVar variation 4996216 (VCV004996216.1).